The following is an entry in ClinVar:

NM_013386.5(SLC25A24):c.123C>T (p.Ile41=)

Gene: SLC25A24 (solute carrier family 25 member 24; minus strand). Cytogenetic location: 1p13.3.
Variant type: single nucleotide variant.
Coding change: c.123C>T on transcript NM_013386.5 (MANE Select); coding-DNA position 123, C replaced by T.
Protein change: p.Ile41=; no amino-acid change (isoleucine 41 retained).
Molecular consequence: synonymous variant.
Genome position (GRCh38, 1-based): chr1:108,200,016, G>A on the plus strand (C>T on the coding strand, the complement: SLC25A24 is on the minus strand). VCF-style: chr1-108200016-G-A. GRCh37 (hg19) VCF-style: chr1-108742638-G-A.
Identifiers: ClinVar variation 4977647 (VCV004977647.1).

ClinVar aggregate classification (germline): Likely benign (1 of 4 stars; one submission).

Conditions:
SLC25A24-related disorder. Also called: SLC25A24-related condition.

gnomAD v4.1: 212 of 1,611,132 alleles (0.013%); highest among the groups gnomAD compares: Non-Finnish European, 0.017%; no homozygotes.

Submission:

PreventionGenetics, part of Exact Sciences
Classification: Likely benign for SLC25A24-related condition. Last evaluated: 2024-12-26. Review status: criteria provided, single submitter. Criteria: ACMG Guidelines, 2015. Collection method: clinical testing. Allele origin: germline.
Comment: This variant is classified as likely benign based on ACMG/AMP sequence variant interpretation guidelines (Richards et al. 2015 PMID: 25741868, with internal and published modifications).